The following is an entry in ClinVar:

NM_001372.4(DNAH9):c.8293del (p.Glu2765fs)

Gene: DNAH9 (dynein axonemal heavy chain 9; plus strand). Cytogenetic location: 17p12.
Variant type: Deletion.
Coding change: c.8293del on transcript NM_001372.4 (MANE Select); coding-DNA position 8293, one base deleted (G; older notation c.8293delG).
Protein change: p.Glu2765fs; shifts the reading frame from glutamic acid 2765.
Molecular consequence: frameshift variant.
Genome position (GRCh38, 1-based): chr17:11,797,666, G deleted; the last of 4 consecutive G bases (chr17:11,797,663-11,797,666); deleting any one gives the same sequence. VCF-style (leftmost placement, unchanged base first): chr17-11797662-TG-T. GRCh37 (hg19) VCF-style: chr17-11700979-TG-T.
Other names: c.8293del (NM_001372.3); short protein forms E2765fs.
Identifiers: ClinVar variation 2186539 (VCV002186539.6), dbSNP rs752647137, ClinGen allele CA8396883.

ClinVar aggregate classification (germline): Pathogenic/Likely pathogenic. Review status: criteria provided, multiple submitters, no conflicts (2 of 4 stars). 4 submissions from 4 submitters: Pathogenic (1); Likely pathogenic (3). Last evaluated 2024-06-14.

Conditions:
Ciliary dyskinesia, primary, 40. Also called: CILIARY DYSKINESIA, PRIMARY, 40, WITH OR WITHOUT SITUS INVERSUS. Identifiers: MedGen C4749028, MONDO:0032664, OMIM 618300.
DNAH9-related disorder. Also called: DNAH9-related condition.

Submissions (4):

Labcorp Genetics (formerly Invitae), Labcorp
Classification: Pathogenic. Last evaluated: 2024-06-14. Review status: criteria provided, single submitter. Criteria: Invitae Variant Classification Sherloc (09022015). Collection method: clinical testing. Allele origin: germline.
Comment: This sequence change creates a premature translational stop signal (p.Glu2765Serfs*13) in the DNAH9 gene. It is expected to result in an absent or disrupted protein product. Loss-of-function variants in DNAH9 are known to be pathogenic (PMID: 30471718). This variant is present in population databases (rs752647137, gnomAD 0.03%). This variant has not been reported in the literature in individuals affected with DNAH9-related conditions. ClinVar contains an entry for this variant (Variation ID: 2186539). For these reasons, this variant has been classified as Pathogenic.

GeneDx
Classification: Likely pathogenic. Last evaluated: 2024-06-03. Review status: criteria provided, single submitter. Criteria: GeneDx Variant Classification Process June 2021. Collection method: clinical testing. Allele origin: germline. Affected: yes.
Comment: Has not been previously published as pathogenic or benign in association with a DNAH9-related disorder to our knowledge; Frameshift variant predicted to result in protein truncation or nonsense mediated decay in a gene for which loss of function is a known mechanism of disease; This variant is associated with the following publications: (PMID: 34482403)

Blueprint Genetics
Classification: Likely pathogenic for DNAH9-related disorders. Last evaluated: 2023-12-07. Review status: criteria provided, single submitter. Criteria: ACMG Guidelines, 2015. Collection method: clinical testing. Allele origin: germline. Affected: yes. Observed: 2 variant alleles.

Johns Hopkins Genomics, Johns Hopkins University
Classification: Likely pathogenic for Ciliary dyskinesia, primary, 40. Last evaluated: 2023-05-10. Review status: criteria provided, single submitter. Criteria: ACMG Guidelines, 2015. Collection method: clinical testing. Allele origin: germline.
Comment: This DNAH9 variant (rs752647137) is rare (<0.1%) in a large population dataset (gnomAD v3.1.2: 16/152196 total alleles; 0.01%; no homozygotes). It has been reported in ClinVar (Variation ID 2186539), but has not been reported in the literature, to our knowledge. This frameshift variant results in a premature stop codon in exon 43 of 69, likely leading to nonsense-mediated decay and lack of protein production. We consider c.8293del; p.Glu2765fs in DNAH9 to be likely pathogenic.

Literature cited by the submitters: PubMed 30471718 (cited by Labcorp Genetics (formerly Invitae), Labcorp).